The following is an entry in ClinVar:

NM_181872.6(DMRT2):c.319C>G (p.Pro107Ala)

Gene: DMRT2 (doublesex and mab-3 related transcription factor 2; plus strand). Cytogenetic location: 9p24.3.
Variant type: single nucleotide variant.
Coding change: c.319C>G on transcript NM_181872.6 (MANE Select); coding-DNA position 319, C replaced by G.
Protein change: p.Pro107Ala; replaces proline 107 with alanine.
Molecular consequence: missense variant. On other transcripts: 5 prime UTR variant (1), non-coding transcript variant (1).
Genome position (GRCh38, 1-based): chr9:1,051,932, C>G. VCF-style: chr9-1051932-C-G. GRCh37 (hg19) VCF-style: chr9-1051932-C-G.
Other names: c.319C>G, p.Pro107Ala (NM_001130865.3, NM_001370531.1, NM_001370533.1 and 4 more transcripts); c.-332C>G (NM_001370532.1); short protein forms P107A.
Identifiers: ClinVar variation 4699140 (VCV004699140.1).

ClinVar aggregate classification (germline): Uncertain significance (1 of 4 stars; one submission).

gnomAD v4.1: 4 of 1,364,186 alleles (0.00029%); highest among the groups gnomAD compares: Admixed American, 0.0038%; no homozygotes.

Submission:

Labcorp Genetics (formerly Invitae), Labcorp
Classification: Uncertain significance. Last evaluated: 2025-04-09. Review status: criteria provided, single submitter. Criteria: Invitae Variant Classification Sherloc (09022015). Collection method: clinical testing. Allele origin: germline.
Comment: This sequence change replaces proline, which is neutral and non-polar, with alanine, which is neutral and non-polar, at codon 107 of the DMRT2 protein (p.Pro107Ala). This variant is not present in population databases (gnomAD no frequency). This variant has not been reported in the literature in individuals affected with DMRT2-related conditions. An algorithm developed to predict the effect of missense changes on protein structure and function (PolyPhen-2) suggests that this variant is likely to be tolerated. In summary, the available evidence is currently insufficient to determine the role of this variant in disease. Therefore, it has been classified as a Variant of Uncertain Significance.